The following is an entry in ClinVar:

ClinVar aggregate classification (germline): Conflicting classifications of pathogenicity. Review status: criteria provided, conflicting classifications (1 of 4 stars). 3 submissions from 3 submitters: Uncertain significance (2); Likely benign (1). Last evaluated 2025-08-12.

Conditions:
Primary ciliary dyskinesia. Also called: Ciliary dyskinesia. Identifiers: Orphanet 244, MedGen C0008780, MONDO:0016575, HP:0012265.
Primary ciliary dyskinesia 19. Also called: CILIARY DYSKINESIA, PRIMARY, 19, WITH OR WITHOUT SITUS INVERSUS. Identifiers: Orphanet 244, MedGen C3543826, MONDO:0013979, OMIM 614935.

Allele frequency attached by ClinVar (database versions not stated): gnomAD 0.00002 and 0.00003; ExAC 0.00008; TOPMed 0.00009; gnomAD exomes 0.00015.
gnomAD v4.1: 52 of 1,613,676 alleles (0.0032%); highest among the groups gnomAD compares: Admixed American, 0.06%; no homozygotes.

Submissions (3):

Ambry Genetics
Classification: Likely benign for Primary ciliary dyskinesia. Last evaluated: 2025-08-12. Review status: criteria provided, single submitter. Criteria: Ambry Variant Classification Scheme 2023. Collection method: clinical testing. Allele origin: germline.

Mayo Clinic Laboratories, Mayo Clinic
Classification: Uncertain significance. Last evaluated: 2025-05-08. Review status: criteria provided, single submitter. Criteria: ACMG Guidelines, 2015. Collection method: clinical testing. Allele origin: germline. Observed: 1 variant allele.
Comment: BP4_moderate

Labcorp Genetics (formerly Invitae), Labcorp
Classification: Uncertain significance for Primary ciliary dyskinesia 19. Last evaluated: 2021-08-28. Review status: criteria provided, single submitter. Criteria: Invitae Variant Classification Sherloc (09022015). Collection method: clinical testing. Allele origin: germline.
Comment: This sequence change replaces alanine with threonine at codon 204 of the LRRC6 protein (p.Ala204Thr). The alanine residue is weakly conserved and there is a small physicochemical difference between alanine and threonine. This variant is present in population databases (rs772453135, ExAC 0.07%). This variant has not been reported in the literature in individuals affected with LRRC6-related conditions. Algorithms developed to predict the effect of missense changes on protein structure and function output the following: SIFT: "Tolerated"; PolyPhen-2: "Benign"; Align-GVGD: "Class C0". The threonine amino acid residue is found in multiple mammalian species, which suggests that this missense change does not adversely affect protein function. In summary, the available evidence is currently insufficient to determine the role of this variant in disease. Therefore, it has been classified as a Variant of Uncertain Significance.

NM_012472.6(DNAAF11):c.610G>A (p.Ala204Thr)

Gene: DNAAF11 (dynein axonemal assembly factor 11; minus strand). Cytogenetic location: 8q24.22.
Variant type: single nucleotide variant.
Coding change: c.610G>A on transcript NM_012472.6 (MANE Select); coding-DNA position 610, G replaced by A.
Protein change: p.Ala204Thr; replaces alanine 204 with threonine.
Molecular consequence: missense variant. On other transcripts: non-coding transcript variant (1).
Genome position (GRCh38, 1-based): chr8:132,632,783, C>T on the plus strand (G>A on the coding strand, the complement: DNAAF11 is on the minus strand). VCF-style: chr8-132632783-C-T. GRCh37 (hg19) VCF-style: chr8-133645029-C-T.
Other names: p.Ala204Thr; c.610G>A (NM_012472.3); c.610G>A, p.Ala204Thr (NM_001321961.2); c.364G>A, p.Ala122Thr (NM_001321962.2); c.250G>A, p.Ala84Thr (NM_001321963.2, NM_001321964.2, NM_001321965.2 and 1 more transcripts); short protein forms A204T, A84T, A122T.
Identifiers: ClinVar variation 473107 (VCV000473107.8), dbSNP rs772453135, ClinGen allele CA4881345.